The following is an entry in ClinVar:

ClinVar aggregate classification (germline): Uncertain significance (1 of 4 stars; one submission).

Conditions:
Polycystic kidney disease, adult type (PKD1). Also called: Polycystic Kidney Disease 1, Autosomal Dominant; Polycystic kidney disease 1; Polycystic kidney disease 1, severe; Polycystic Kidney, Autosomal Dominant; POLYCYSTIC KIDNEY DISEASE 1 WITH OR WITHOUT POLYCYSTIC LIVER DISEASE; POLYCYSTIC KIDNEY DISEASE, ADULT, TYPE I. Identifiers: MedGen C3149841, MONDO:0008263, OMIM 173900.

Allele frequency attached by ClinVar (database versions not stated): gnomAD exomes below 0.00001.
gnomAD v4.1: 1 of 1,601,120 alleles (0.000062%); highest among the groups gnomAD compares: Non-Finnish European, 0.000085%; no homozygotes.

Submission:

MVZ Medizinische Genetik Mainz
Classification: Uncertain significance for Polycystic kidney disease, adult type. Last evaluated: 2023-01-16. Review status: criteria provided, single submitter. Criteria: UK Practice Guidelines For Variant Classification V4 01 2020. Collection method: clinical testing. Allele origin: germline. Inheritance: Autosomal dominant inheritance. Affected: yes. Observed: 1 variant allele.
Comment: ACMG Criteria: PM2_SUP, PP3, PP4 (ACMG Version 4)

NM_001009944.3(PKD1):c.6011A>G (p.Tyr2004Cys)

Gene: PKD1 (polycystin 1, transient receptor potential channel interacting; minus strand). Cytogenetic location: 16p13.3.
Variant type: single nucleotide variant.
Coding change: c.6011A>G on transcript NM_001009944.3 (MANE Select); coding-DNA position 6011, A replaced by G.
Protein change: p.Tyr2004Cys; replaces tyrosine 2004 with cysteine.
Molecular consequence: missense variant.
Genome position (GRCh38, 1-based): chr16:2,109,156, T>C on the plus strand (A>G on the coding strand, the complement: PKD1 is on the minus strand). VCF-style: chr16-2109156-T-C. GRCh37 (hg19) VCF-style: chr16-2159157-T-C.
Other names: c.6011A>G, p.Tyr2004Cys (NM_000296.4); short protein forms Y2004C.
Identifiers: ClinVar variation 3236374 (VCV003236374.1), dbSNP rs2544806761, ClinGen allele CA394374736.